The following is an entry in ClinVar:

ClinVar aggregate classification (germline): Conflicting classifications of pathogenicity. Review status: criteria provided, conflicting classifications (1 of 4 stars). 3 submissions from 3 submitters: Uncertain significance (1); Likely benign (1). 1 of the submissions does not count toward it. Last evaluated 2025-03-17.

Conditions:
Inborn genetic diseases. Identifiers: MedGen C0950123, MeSH D030342.
PCNT-related disorder. Also called: PCNT-related condition.

Allele frequency attached by ClinVar (database versions not stated): TOPMed below 0.00001; gnomAD 0.00001; gnomAD exomes 0.00002.
gnomAD v4.1: 24 of 1,612,336 alleles (0.0015%); highest among the groups gnomAD compares: Non-Finnish European, 0.002%; no homozygotes.

Submissions (3):

Labcorp Genetics (formerly Invitae), Labcorp
Classification: Uncertain significance. Last evaluated: 2025-03-17. Review status: criteria provided, single submitter. Criteria: Invitae Variant Classification Sherloc (09022015). Collection method: clinical testing. Allele origin: germline.
Comment: This sequence change replaces arginine, which is basic and polar, with glutamine, which is neutral and polar, at codon 2762 of the PCNT protein (p.Arg2762Gln). The frequency data for this variant in the population databases is considered unreliable, as metrics indicate poor data quality at this position in the gnomAD database. This variant has not been reported in the literature in individuals affected with PCNT-related conditions. ClinVar contains an entry for this variant (Variation ID: 1911455). An algorithm developed to predict the effect of missense changes on protein structure and function outputs the following: PolyPhen-2: "Possibly Damaging". The glutamine amino acid residue is found in multiple mammalian species, which suggests that this missense change does not adversely affect protein function. In summary, the available evidence is currently insufficient to determine the role of this variant in disease. Therefore, it has been classified as a Variant of Uncertain Significance.

Ambry Genetics
Classification: Likely benign for Inborn genetic diseases. Last evaluated: 2024-10-22. Review status: criteria provided, single submitter. Criteria: Ambry Variant Classification Scheme 2023. Collection method: clinical testing. Allele origin: germline.

PreventionGenetics, part of Exact Sciences
Classification: Uncertain significance for PCNT-related condition. Last evaluated: 2024-05-03. Review status: no assertion criteria provided. Collection method: clinical testing. Allele origin: germline. Not counted in ClinVar's aggregate classification.
Comment: The PCNT c.8285G>A variant is predicted to result in the amino acid substitution p.Arg2762Gln. To our knowledge, this variant has not been reported in the literature. This variant is reported in 0.0016% of alleles in individuals of European (Non-Finnish) descent in gnomAD. At this time, the clinical significance of this variant is uncertain due to the absence of conclusive functional and genetic evidence.

NM_006031.6(PCNT):c.8285G>A (p.Arg2762Gln)

Gene: PCNT (pericentrin; plus strand). Cytogenetic location: 21q22.3.
Variant type: single nucleotide variant.
Coding change: c.8285G>A on transcript NM_006031.6 (MANE Select); coding-DNA position 8285, G replaced by A.
Protein change: p.Arg2762Gln; replaces arginine 2762 with glutamine.
Molecular consequence: missense variant.
Genome position (GRCh38, 1-based): chr21:46,431,749, G>A. VCF-style: chr21-46431749-G-A. GRCh37 (hg19) VCF-style: chr21-47851663-G-A.
Other names: c.7931G>A, p.Arg2644Gln (NM_001315529.2); c.8285G>A (NM_006031.5); short protein forms R2644Q, R2762Q.
Identifiers: ClinVar variation 1911455 (VCV001911455.5), dbSNP rs773827160, ClinGen allele CA322016661.
Genomic context (GRCh38, chr21:46,431,749, plus strand): 5'-AGCTCCAGAAGGACCTTGCGGCTGAGAAGAGCCGCACCCTGGAGCTGTCAGAGGCCTTGC[G>A]GCACGAGCGGCTCCTGACCGAGCAGCTGAGCCAGAGGACACAGGAGGCTTGCGTGCACCA-3'
Protein context (NP_006022.3, residues 2752-2772): SRTLELSEAL[Arg2762Gln]HERLLTEQLS